The following is an entry in ClinVar:

ClinVar aggregate classification (germline): Likely benign. Review status: criteria provided, multiple submitters, no conflicts (2 of 4 stars). 4 submissions from 4 submitters: Likely benign (4). Last evaluated 2025-10-23.

Conditions:
ESPN-related disorder. Also called: ESPN-related condition.

Allele frequency attached by ClinVar (database versions not stated): ESP Exome Variant Server 0.00077; gnomAD 0.00081 and 0.00083; TOPMed 0.00094; 1000 Genomes Project 30x 0.00141; 1000 Genomes Project 0.00200.
gnomAD v4.1: 236 of 1,611,286 alleles (0.015%); highest among the groups gnomAD compares: African/African-American, 0.28%; no homozygotes.

Submissions (4):

Labcorp Genetics (formerly Invitae), Labcorp
Classification: Likely benign. Last evaluated: 2025-10-23. Review status: criteria provided, single submitter. Criteria: Invitae Variant Classification Sherloc (09022015). Collection method: clinical testing. Allele origin: germline.

PreventionGenetics, part of Exact Sciences
Classification: Likely benign for ESPN-related condition. Last evaluated: 2025-02-28. Review status: criteria provided, single submitter. Criteria: ACMG Guidelines, 2015. Collection method: clinical testing. Allele origin: germline.
Comment: This variant is classified as likely benign based on ACMG/AMP sequence variant interpretation guidelines (Richards et al. 2015 PMID: 25741868, with internal and published modifications).

Blueprint Genetics
Classification: Likely benign. Last evaluated: 2024-08-22. Review status: criteria provided, single submitter. Criteria: ACMG Guidelines, 2015. Collection method: clinical testing. Allele origin: germline.

Breakthrough Genomics
Classification: Likely benign. Review status: criteria provided, single submitter. Criteria: ACMG Guidelines, 2015. Collection method: not provided. Allele origin: germline. Inheritance: Autosomal recessive inheritance. Affected: yes.

NM_031475.3(ESPN):c.974G>A (p.Arg325His)

Gene: ESPN (espin; plus strand). Cytogenetic location: 1p36.31.
Variant type: single nucleotide variant.
Coding change: c.974G>A on transcript NM_031475.3 (MANE Select); coding-DNA position 974, G replaced by A.
Protein change: p.Arg325His; replaces arginine 325 with histidine.
Molecular consequence: missense variant.
Genome position (GRCh38, 1-based): chr1:6,441,049, G>A. VCF-style: chr1-6441049-G-A. GRCh37 (hg19) VCF-style: chr1-6501109-G-A.
Other names: c.974G>A, p.Arg325His (NM_001367473.1, NM_001367474.1); short protein forms R325H.
Identifiers: ClinVar variation 716900 (VCV000716900.12), dbSNP rs144448933, ClinGen allele CA560049.